The following is an entry in ClinVar:

NM_007227.3(GPR45):c.64T>C (p.Ser22Pro)

Gene: GPR45 (G protein-coupled receptor 45; plus strand). Cytogenetic location: 2q12.1.
Variant type: single nucleotide variant.
Coding change: c.64T>C on transcript NM_007227.3 (MANE Select); coding-DNA position 64, T replaced by C.
Protein change: p.Ser22Pro; replaces serine 22 with proline.
Molecular consequence: missense variant.
Genome position (GRCh38, 1-based): chr2:105,241,922, T>C. VCF-style: chr2-105241922-T-C. GRCh37 (hg19) VCF-style: chr2-105858379-T-C.
Other names: short protein forms S22P.
Identifiers: ClinVar variation 1949178 (VCV001949178.5), dbSNP rs550462737, ClinGen allele CA1813510.
Genomic context (GRCh38, chr2:105,241,922, plus strand): 5'-GCCTGCAACAGCACGTCCCTTGAGGCTTACACATACCTGCTGCTGAACACCAGCAACGCC[T>C]CAGACTCGGGGTCCACCCAGTTGCCCGCACCCCTCAGGATCTCCTTGGCCATAGTGATGC-3'
Protein context (NP_009158.3, residues 12-32): TYLLLNTSNA[Ser22Pro]DSGSTQLPAP

ClinVar aggregate classification (germline): Uncertain significance (1 of 4 stars; one submission).

Allele frequency attached by ClinVar (database versions not stated): gnomAD exomes below 0.00001; TOPMed 0.00002; ExAC 0.00003; gnomAD 0.00003; 1000 Genomes Project 0.00020; 1000 Genomes Project 30x 0.00031.

Submission:

Labcorp Genetics (formerly Invitae), Labcorp
Classification: Uncertain significance. Last evaluated: 2022-10-02. Review status: criteria provided, single submitter. Criteria: Invitae Variant Classification Sherloc (09022015). Collection method: clinical testing. Allele origin: germline.
Comment: This variant is present in population databases (rs550462737, gnomAD 0.01%). In summary, the available evidence is currently insufficient to determine the role of this variant in disease. Therefore, it has been classified as a Variant of Uncertain Significance. Algorithms developed to predict the effect of missense changes on protein structure and function output the following: SIFT: "Tolerated"; PolyPhen-2: "Benign"; Align-GVGD: "Class C0". The proline amino acid residue is found in multiple mammalian species, which suggests that this missense change does not adversely affect protein function. This variant has not been reported in the literature in individuals affected with GPR45-related conditions. This sequence change replaces serine, which is neutral and polar, with proline, which is neutral and non-polar, at codon 22 of the GPR45 protein (p.Ser22Pro).